The following is an entry in ClinVar:

ClinVar aggregate classification (germline): Conflicting classifications of pathogenicity. Review status: criteria provided, conflicting classifications (1 of 4 stars). 8 submissions from 2 submitters: Uncertain significance (1); Benign (5); Likely benign (2). Last evaluated 2024-06-01.

Conditions:
Acromicric dysplasia (ACMICD). Also called: Acromicric skeletal dysplasia. Identifiers: Orphanet 969, MedGen C0265287, MONDO:0007055, OMIM 102370.
Marfan syndrome (MFS). Also called: MARFAN SYNDROME, TYPE I; Marfan syndrome type 1; Marfan's syndrome; FBN1-Related Marfan Syndrome; Marfan syndrome, classic. Identifiers: Orphanet 284963, Orphanet 558, MedGen C0024796, MONDO:0007947, OMIM 154700.
Geleophysic dysplasia. Identifiers: Orphanet 2623, MedGen C3489726, MONDO:0000127.
Familial thoracic aortic aneurysm and aortic dissection (TAAD). Also called: Thoracic aortic aneurysms and dissections. Identifiers: Orphanet 91387, MedGen C4707243, MONDO:0019625.
Weill-Marchesani syndrome. Also called: WM Syndrome; Mesodermal dysmorphodystrophy congenital. Identifiers: Orphanet 3449, MedGen C0265313, MONDO:0018096.
Stiff skin syndrome (SSKS). Identifiers: Orphanet 2833, MedGen C1861456, MONDO:0008492, OMIM 184900.
Ectopia lentis 1, isolated, autosomal dominant (ECTOL1). Identifiers: Orphanet 1885, MedGen C3541518, MONDO:0007514, OMIM 129600.

Allele frequency attached by ClinVar (database versions not stated): 1000 Genomes Project 30x 0.00187; 1000 Genomes Project 0.00200; gnomAD 0.00360; TOPMed 0.00428.

Submissions (8):

CeGaT Center for Human Genetics Tuebingen
Classification: Benign. Last evaluated: 2024-06-01. Review status: criteria provided, single submitter. Criteria: CeGaT Center For Human Genetics Tuebingen Variant Classification Criteria Version 2. Collection method: clinical testing. Allele origin: germline. Affected: yes. Observed: 4 variant alleles.
Comment: FBN1: BS1, BS2

Illumina Laboratory Services, Illumina
Classification: Benign for Acromicric dysplasia. Last evaluated: 2018-01-13. Review status: criteria provided, single submitter. Criteria: ICSL Variant Classification Criteria 13 December 2019. Collection method: clinical testing. Allele origin: germline.
Comment: This variant was observed in the ICSL laboratory as part of a predisposition screen in an ostensibly healthy population. It had not been previously curated by ICSL or reported in the Human Gene Mutation Database (HGMD: prior to June 1st, 2018), and was therefore a candidate for classification through an automated scoring system. Utilizing variant allele frequency, disease prevalence and penetrance estimates, and inheritance mode, an automated score was calculated to assess if this variant is too frequent to cause the disease. Based on the score and internal cut-off values, a variant classified as benign is not then subjected to further curation. The score for this variant resulted in a classification of benign for this disease.

Illumina Laboratory Services, Illumina
Classification: Benign for Ectopia lentis 1, isolated, autosomal dominant. Last evaluated: 2018-01-13. Review status: criteria provided, single submitter. Criteria: ICSL Variant Classification Criteria 13 December 2019. Collection method: clinical testing. Allele origin: germline.
Comment: the same text as in the submission from Illumina Laboratory Services, Illumina above.

Illumina Laboratory Services, Illumina
Classification: Likely benign for Marfan syndrome. Last evaluated: 2018-01-13. Review status: criteria provided, single submitter. Criteria: ICSL Variant Classification Criteria 13 December 2019. Collection method: clinical testing. Allele origin: germline.
Comment: This variant was observed in the ICSL laboratory as part of a predisposition screen in an ostensibly healthy population. It had not been previously curated by ICSL or reported in the Human Gene Mutation Database (HGMD: prior to June 1st, 2018), and was therefore a candidate for classification through an automated scoring system. Utilizing variant allele frequency, disease prevalence and penetrance estimates, and inheritance mode, an automated score was calculated to assess if this variant is too frequent to cause the disease. Based on the score and internal cut-off values, a variant classified as likely benign is not then subjected to further curation. The score for this variant resulted in a classification of likely benign for this disease.

Illumina Laboratory Services, Illumina
Classification: Likely benign for Weill-Marchesani syndrome. Last evaluated: 2018-01-13. Review status: criteria provided, single submitter. Criteria: ICSL Variant Classification Criteria 13 December 2019. Collection method: clinical testing. Allele origin: germline.
Comment: the same text as in the submission from Illumina Laboratory Services, Illumina above.

Illumina Laboratory Services, Illumina
Classification: Uncertain significance for Familial thoracic aortic aneurysm and aortic dissection. Last evaluated: 2018-01-13. Review status: criteria provided, single submitter. Criteria: ICSL Variant Classification Criteria 13 December 2019. Collection method: clinical testing. Allele origin: germline.

Illumina Laboratory Services, Illumina
Classification: Benign for Geleophysic dysplasia. Last evaluated: 2018-01-13. Review status: criteria provided, single submitter. Criteria: ICSL Variant Classification Criteria 13 December 2019. Collection method: clinical testing. Allele origin: germline.
Comment: the same text as in the submission from Illumina Laboratory Services, Illumina above.

Illumina Laboratory Services, Illumina
Classification: Benign for Stiff skin syndrome. Last evaluated: 2018-01-13. Review status: criteria provided, single submitter. Criteria: ICSL Variant Classification Criteria 13 December 2019. Collection method: clinical testing. Allele origin: germline.
Comment: the same text as in the submission from Illumina Laboratory Services, Illumina above.

NM_000138.5(FBN1):c.*1298C>G

Gene: FBN1 (fibrillin 1; minus strand). Cytogenetic location: 15q21.1.
Variant type: single nucleotide variant.
Coding change: c.*1298C>G on transcript NM_000138.5 (MANE Select); 1298 bases downstream of the stop codon, C replaced by G.
Molecular consequence: 3 prime UTR variant.
Genome position (GRCh38, 1-based): chr15:48,409,692, G>C on the plus strand (C>G on the coding strand, the complement: FBN1 is on the minus strand). VCF-style: chr15-48409692-G-C. GRCh37 (hg19) VCF-style: chr15-48701889-G-C.
Identifiers: ClinVar variation 316338 (VCV000316338.36), dbSNP rs143446014, ClinGen allele CA10646174.